The following is an entry in ClinVar:

NM_001029860.4(FBXO43):c.2005G>A (p.Val669Met)

Gene: FBXO43 (F-box protein 43; minus strand). Cytogenetic location: 8q22.2.
Variant type: single nucleotide variant.
Coding change: c.2005G>A on transcript NM_001029860.4 (MANE Select); coding-DNA position 2005, G replaced by A.
Protein change: p.Val669Met; replaces valine 669 with methionine.
Molecular consequence: missense variant. On other transcripts: non-coding transcript variant (1).
Genome position (GRCh38, 1-based): chr8:100,133,924, C>T on the plus strand (G>A on the coding strand, the complement: FBXO43 is on the minus strand). VCF-style: chr8-100133924-C-T. GRCh37 (hg19) VCF-style: chr8-101146152-C-T.
Other names: short protein forms V669M.
Identifiers: ClinVar variation 3514067 (VCV003514067.7).

ClinVar aggregate classification (germline): Uncertain significance. Review status: criteria provided, multiple submitters, no conflicts (2 of 4 stars). 2 submissions from 2 submitters: Uncertain significance (2). Last evaluated 2025-11-01.

gnomAD v4.1: 33 of 1,614,046 alleles (0.002%); highest among the groups gnomAD compares: Admixed American, 0.023%; no homozygotes.

Submissions (2):

CeGaT Center for Human Genetics Tuebingen
Classification: Uncertain significance. Last evaluated: 2025-11-01. Review status: criteria provided, single submitter. Criteria: CeGaT Center For Human Genetics Tuebingen Variant Classification Criteria Version 2. Collection method: clinical testing. Allele origin: germline. Affected: yes. Observed: 1 variant allele.
Comment: FBXO43: PM2

Ambry Genetics
Classification: Uncertain significance. Last evaluated: 2024-12-04. Review status: criteria provided, single submitter. Criteria: Ambry Variant Classification Scheme 2023. Collection method: clinical testing. Allele origin: germline.